The following is an entry in ClinVar:

ClinVar aggregate classification (germline): Uncertain significance (1 of 4 stars; one submission).

Submission:

GeneDx
Classification: Uncertain significance. Last evaluated: 2026-09-04. Review status: criteria provided, single submitter. Criteria: GeneDx Variant Classification Process June 2021. Collection method: clinical testing. Allele origin: germline.
Comment: Not observed at significant frequency in large population cohorts (gnomAD); In silico analysis supports that this missense variant has a deleterious effect on protein structure/function; This substitution is predicted to be within the N-terminal cytoplasmic domain; Has not been previously published as pathogenic or benign to our knowledge

NM_001040142.2(SCN2A):c.154C>T (p.Pro52Ser)

Gene: SCN2A (sodium voltage-gated channel alpha subunit 2; plus strand). Cytogenetic location: 2q24.3.
Variant type: single nucleotide variant.
Coding change: c.154C>T on transcript NM_001040142.2 (MANE Select); coding-DNA position 154, C replaced by T.
Protein change: p.Pro52Ser; replaces proline 52 with serine.
Molecular consequence: missense variant.
Genome position (GRCh38, 1-based): chr2:165,295,977, C>T. VCF-style: chr2-165295977-C-T. GRCh37 (hg19) VCF-style: chr2-166152487-C-T.
Other names: c.154C>T, p.Pro52Ser (NM_001040143.2, NM_001371246.1, NM_001371247.1 and 1 more transcripts); short protein forms P52S.
Identifiers: ClinVar variation 3369653 (VCV003369653.2).
Genomic context (GRCh38, chr2:165,295,977, plus strand): 5'-GAGAAAGCTAAGAGACCCAAACAGGAACGCAAGGATGAGGATGATGAAAATGGCCCAAAG[C>T]CAAACAGTGACTTGGAAGCAGGAAAATCTCTTCCATTTATTTATGGAGACATTCCTCCAG-3'
Protein context (NP_001035232.1, residues 42-62): KDEDDENGPK[Pro52Ser]NSDLEAGKSL